The following is an entry in ClinVar:

ClinVar aggregate classification (germline): Uncertain significance (1 of 4 stars; one submission).

Submission:

Ambry Genetics
Classification: Uncertain significance. Last evaluated: 2024-05-23. Review status: criteria provided, single submitter. Criteria: Ambry Variant Classification Scheme 2023. Collection method: clinical testing. Allele origin: germline.
Comment: The p.K579E variant (also known as c.1735A>G), located in coding exon 9 of the PALLD gene, results from an A to G substitution at nucleotide position 1735. The lysine at codon 579 is replaced by glutamic acid, an amino acid with similar properties. This amino acid position is conserved. In addition, this alteration is predicted to be tolerated by in silico analysis. Based on the available evidence, the clinical significance of this variant remains unclear.

NM_001166108.2(PALLD):c.1735A>G (p.Lys579Glu)

Gene: PALLD (palladin, cytoskeletal associated protein; plus strand). Cytogenetic location: 4q32.3.
Variant type: single nucleotide variant.
Coding change: c.1735A>G on transcript NM_001166108.2 (MANE Select); coding-DNA position 1735, A replaced by G.
Protein change: p.Lys579Glu; replaces lysine 579 with glutamic acid.
Molecular consequence: missense variant.
Genome position (GRCh38, 1-based): chr4:168,711,694, A>G. VCF-style: chr4-168711694-A-G. GRCh37 (hg19) VCF-style: chr4-169632845-A-G.
Other names: c.589A>G, p.Lys197Glu (NM_001166109.2); c.1735A>G, p.Lys579Glu (NM_016081.4); short protein forms K579E, K197E.
Identifiers: ClinVar variation 3304095 (VCV003304095.1).